The following is an entry in ClinVar:

ClinVar aggregate classification (germline): Uncertain significance (1 of 4 stars; one submission).

Conditions:
Congenital muscular dystrophy due to integrin alpha-7 deficiency. Also called: MYOPATHY, CONGENITAL, DUE TO INTEGRIN ALPHA-7 DEFICIENCY; Congenital muscular dystrophy with integrin alpha-7 deficiency; Muscular dystrophy, congenital, due to ITGA7 deficiency. Identifiers: Orphanet 34520, MedGen C2750786, MONDO:0013177, OMIM 613204.

gnomAD v4.1: 4 of 1,600,896 alleles (0.00025%); highest among the groups gnomAD compares: Non-Finnish European, 0.00034%; no homozygotes.

Submission:

Labcorp Genetics (formerly Invitae), Labcorp
Classification: Uncertain significance for Congenital muscular dystrophy due to integrin alpha-7 deficiency. Last evaluated: 2022-06-10. Review status: criteria provided, single submitter. Criteria: Invitae Variant Classification Sherloc (09022015). Collection method: clinical testing. Allele origin: germline.
Comment: The frequency data for this variant in the population databases is considered unreliable, as metrics indicate poor data quality at this position in the gnomAD database. Algorithms developed to predict the effect of missense changes on protein structure and function are either unavailable or do not agree on the potential impact of this missense change (SIFT: "Tolerated"; PolyPhen-2: "Probably Damaging"; Align-GVGD: "Class C0"). This variant has not been reported in the literature in individuals affected with ITGA7-related conditions. This sequence change replaces threonine, which is neutral and polar, with proline, which is neutral and non-polar, at codon 592 of the ITGA7 protein (p.Thr592Pro). In summary, the available evidence is currently insufficient to determine the role of this variant in disease. Therefore, it has been classified as a Variant of Uncertain Significance.

NM_002206.3(ITGA7):c.1774A>C (p.Thr592Pro)

Gene: ITGA7 (integrin subunit alpha 7; minus strand). Cytogenetic location: 12q13.2.
Variant type: single nucleotide variant.
Coding change: c.1774A>C on transcript NM_002206.3 (MANE Select); coding-DNA position 1774, A replaced by C.
Protein change: p.Thr592Pro; replaces threonine 592 with proline.
Molecular consequence: missense variant.
Genome position (GRCh38, 1-based): chr12:55,696,396, T>G on the plus strand (A>C on the coding strand, the complement: ITGA7 is on the minus strand). VCF-style: chr12-55696396-T-G. GRCh37 (hg19) VCF-style: chr12-56090180-T-G.
Other names: c.1786A>C, p.Thr596Pro (NM_001144996.2); c.1495A>C, p.Thr499Pro (NM_001144997.2); c.1447A>C, p.Thr483Pro (NM_001367993.1); c.430A>C, p.Thr144Pro (NM_001367994.1); c.1756A>C, p.Thr586Pro (NM_001374465.1); c.1906A>C, p.Thr636Pro (NM_001410977.1); c.1768A>C, p.Thr590Pro (NM_001414029.1); c.1699A>C, p.Thr567Pro (NM_001414030.1); and 5 more; short protein forms T479P, T483P, T531P, T586P, T552P, T567P, T590P, T592P.
Identifiers: ClinVar variation 1971887 (VCV001971887.5), dbSNP rs1424923663, ClinGen allele CA385187596.